The following is an entry in ClinVar:

NM_000051.4(ATM):c.902-3C>A

Gene: ATM (ATM serine/threonine kinase; plus strand). Cytogenetic location: 11q22.3.
Variant type: single nucleotide variant.
Coding change: c.902-3C>A on transcript NM_000051.4 (MANE Select); 3 bases into the intron before coding-DNA position 902, C replaced by A.
Molecular consequence: intron variant.
Genome position (GRCh38, 1-based): chr11:108,246,961, C>A. VCF-style: chr11-108246961-C-A. GRCh37 (hg19) VCF-style: chr11-108117688-C-A.
Other names: c.902-3C>A (NM_001351834.2).
Identifiers: ClinVar variation 2694664 (VCV002694664.3), dbSNP rs2135264506, ClinGen allele CA2697548972.

ClinVar aggregate classification (germline): Uncertain significance (1 of 4 stars; one submission).

Conditions:
Ataxia-telangiectasia syndrome (AT). Also called: Cerebello-oculocutaneous telangiectasia; Immunodeficiency with ataxia telangiectasia; Ataxia-telangiectasia, complementation group E; LOUIS-BAR SYNDROME; Ataxia telangiectasia (A-T); AT, COMPLEMENTATION GROUP C. Identifiers: Orphanet 100, MedGen C0004135, MONDO:0008840, OMIM 208900.

Submission:

Labcorp Genetics (formerly Invitae), Labcorp
Classification: Uncertain significance for Ataxia-telangiectasia syndrome. Last evaluated: 2023-06-06. Review status: criteria provided, single submitter. Criteria: Invitae Variant Classification Sherloc (09022015). Collection method: clinical testing. Allele origin: germline.
Comment: In summary, the available evidence is currently insufficient to determine the role of this variant in disease. Therefore, it has been classified as a Variant of Uncertain Significance. Variants that disrupt the consensus splice site are a relatively common cause of aberrant splicing (PMID: 17576681, 9536098). Algorithms developed to predict the effect of sequence changes on RNA splicing suggest that this variant may disrupt the consensus splice site. This variant has not been reported in the literature in individuals affected with ATM-related conditions. This variant is not present in population databases (gnomAD no frequency). This sequence change falls in intron 7 of the ATM gene. It does not directly change the encoded amino acid sequence of the ATM protein. It affects a nucleotide within the consensus splice site.

Literature cited by the submitters: PubMed 17576681; PubMed 9536098.